The following is an entry in ClinVar:

ClinVar aggregate classification (germline): Likely benign. Review status: criteria provided, multiple submitters, no conflicts (2 of 4 stars). 4 submissions from 4 submitters: Likely benign (3). 1 of the submissions does not count toward it. Last evaluated 2025-03-17.

Conditions:
ZNF423-related disorder. Also called: ZNF423-related condition.
Nephronophthisis 14 (NPHP14). Identifiers: Orphanet 2318, MedGen C3539071, MONDO:0013916, OMIM 614844.

Allele frequency attached by ClinVar (database versions not stated): gnomAD exomes 0.00003 and 0.00008; ExAC 0.00007; TOPMed 0.00009; gnomAD 0.00011; 1000 Genomes Project 0.00040; 1000 Genomes Project 30x 0.00062.
gnomAD v4.1: 70 of 1,614,162 alleles (0.0043%); highest among the groups gnomAD compares: Middle Eastern, 0.049%; no homozygotes.

Submissions (4):

Labcorp Genetics (formerly Invitae), Labcorp
Classification: Likely benign for Nephronophthisis 14. Last evaluated: 2025-03-17. Review status: criteria provided, single submitter. Criteria: Invitae Variant Classification Sherloc (09022015). Collection method: clinical testing. Allele origin: germline.

Blueprint Genetics
Classification: Likely benign. Last evaluated: 2024-11-19. Review status: criteria provided, single submitter. Criteria: ACMG Guidelines, 2015. Collection method: clinical testing. Allele origin: germline.

CeGaT Center for Human Genetics Tuebingen
Classification: Likely benign. Last evaluated: 2022-05-01. Review status: criteria provided, single submitter. Criteria: CeGaT Center For Human Genetics Tuebingen Variant Classification Criteria Version 2. Collection method: clinical testing. Allele origin: germline. Affected: yes. Observed: 1 variant allele.
Comment: ZNF423: BP4, BP7

PreventionGenetics, part of Exact Sciences
Classification: Likely benign for ZNF423-related condition. Last evaluated: 2019-03-14. Review status: no assertion criteria provided. Collection method: clinical testing. Allele origin: germline. Not counted in ClinVar's aggregate classification.
Comment: This variant is classified as likely benign based on ACMG/AMP sequence variant interpretation guidelines (Richards et al. 2015 PMID: 25741868, with internal and published modifications).

NM_001379286.1(ZNF423):c.492C>T (p.His164=)

Gene: ZNF423 (zinc finger protein 423; minus strand). Cytogenetic location: 16q12.1.
Variant type: single nucleotide variant.
Coding change: c.492C>T on transcript NM_001379286.1 (MANE Select); coding-DNA position 492, C replaced by T.
Protein change: p.His164=; no amino-acid change (histidine 164 retained).
Molecular consequence: synonymous variant.
Genome position (GRCh38, 1-based): chr16:49,638,684, G>A on the plus strand (C>T on the coding strand, the complement: ZNF423 is on the minus strand). VCF-style: chr16-49638684-G-A. GRCh37 (hg19) VCF-style: chr16-49672595-G-A.
Other names: c.288C>T, p.His96= (NM_001271620.2); c.117C>T, p.His39= (NM_001330533.2); c.468C>T, p.His156= (NM_015069.5); c.468C>T (NM_015069.4).
Identifiers: ClinVar variation 755326 (VCV000755326.36), dbSNP rs550048605, ClinGen allele CA8046864.